The following is an entry in ClinVar:

NM_025009.5(CEP135):c.508del (p.Arg170fs)

Gene: CEP135 (centrosomal protein 135; plus strand). Cytogenetic location: 4q12.
Variant type: Deletion.
Coding change: c.508del on transcript NM_025009.5 (MANE Select); coding-DNA position 508, one base deleted (C; older notation c.508delC).
Protein change: p.Arg170fs; shifts the reading frame from arginine 170.
Molecular consequence: frameshift variant.
Genome position (GRCh38, 1-based): chr4:55,957,258, C deleted. VCF-style (leftmost placement, unchanged base first): chr4-55957257-GC-G. GRCh37 (hg19) VCF-style: chr4-56823423-GC-G.
Other names: short protein forms R170fs.
Identifiers: ClinVar variation 5018580 (VCV005018580.2).

ClinVar aggregate classification (germline): Likely pathogenic (1 of 4 stars; one submission).

Conditions:
Microcephaly 8, primary, autosomal recessive. Identifiers: Orphanet 2512, MedGen C3553414, MONDO:0013849, OMIM 614673.

Submission:

Juno Genomics, Hangzhou Juno Genomics, Inc
Classification: Likely pathogenic for Microcephaly 8, primary, autosomal recessive. Review status: criteria provided, single submitter. Criteria: ACMG Guidelines, 2015. Collection method: clinical testing. Allele origin: germline.
Comment: Absent from controls (or at extremely low frequency if recessive) in Genome Aggregation Database.;Null variant in a gene where loss of function (LOF) is a known mechanism of disease.